The following is an entry in ClinVar:

NM_031418.4(ANO3):c.1234G>A (p.Val412Ile)

Gene: ANO3 (anoctamin 3; plus strand). Cytogenetic location: 11p14.2.
Variant type: single nucleotide variant.
Coding change: c.1234G>A on transcript NM_031418.4 (MANE Select); coding-DNA position 1234, G replaced by A.
Protein change: p.Val412Ile; replaces valine 412 with isoleucine.
Molecular consequence: missense variant.
Genome position (GRCh38, 1-based): chr11:26,547,495, G>A. VCF-style: chr11-26547495-G-A. GRCh37 (hg19) VCF-style: chr11-26569042-G-A.
Other names: c.1417G>A, p.Val473Ile (NM_001313726.2); c.796G>A, p.Val266Ile (NM_001313727.2); short protein forms V412I, V473I, V266I.
Identifiers: ClinVar variation 526209 (VCV000526209.8), dbSNP rs1554968177, ClinGen allele CA379932694.

ClinVar aggregate classification (germline): Uncertain significance (1 of 4 stars; one submission).

Conditions:
Dystonic disorder. Also called: Dystonia. Identifiers: MedGen C0013421, MONDO:0003441, HP:0001332.

Submission:

Labcorp Genetics (formerly Invitae), Labcorp
Classification: Uncertain significance for Dystonic disorder. Last evaluated: 2022-09-18. Review status: criteria provided, single submitter. Criteria: Invitae Variant Classification Sherloc (09022015). Collection method: clinical testing. Allele origin: germline.
Comment: In summary, the available evidence is currently insufficient to determine the role of this variant in disease. Therefore, it has been classified as a Variant of Uncertain Significance. Advanced modeling of protein sequence and biophysical properties (such as structural, functional, and spatial information, amino acid conservation, physicochemical variation, residue mobility, and thermodynamic stability) performed at Invitae indicates that this missense variant is not expected to disrupt ANO3 protein function. ClinVar contains an entry for this variant (Variation ID: 526209). This variant has not been reported in the literature in individuals affected with ANO3-related conditions. This variant is not present in population databases (gnomAD no frequency). This sequence change replaces valine, which is neutral and non-polar, with isoleucine, which is neutral and non-polar, at codon 412 of the ANO3 protein (p.Val412Ile).